The following is an entry in ClinVar:

NM_006129.5(BMP1):c.1391G>A (p.Arg464Gln)

Genes: BMP1 (bone morphogenetic protein 1; plus strand), LOC113788269 (BRD4-independent group 4 enhancer GRCh37_chr8:22052064-22053263; plus strand). Cytogenetic location: 8p21.3.
Variant type: single nucleotide variant.
Coding change: c.1391G>A on transcript NM_006129.5 (MANE Select); coding-DNA position 1391, G replaced by A.
Protein change: p.Arg464Gln; replaces arginine 464 with glutamine.
Molecular consequence: missense variant. On other transcripts: non-coding transcript variant (2).
Genome position (GRCh38, 1-based): chr8:22,194,538, G>A. VCF-style: chr8-22194538-G-A. GRCh37 (hg19) VCF-style: chr8-22052051-G-A.
Other names: c.1391G>A, p.Arg464Gln (NM_001199.4); short protein forms R464Q.
Identifiers: ClinVar variation 1431510 (VCV001431510.6), dbSNP rs561063512, ClinGen allele CA4664650.

ClinVar aggregate classification (germline): Uncertain significance (1 of 4 stars; one submission).

Allele frequency attached by ClinVar (database versions not stated): ExAC 0.00002; gnomAD exomes 0.00002 and 0.00004; gnomAD 0.00003 and 0.00004; TOPMed 0.00005; 1000 Genomes Project 30x 0.00016; 1000 Genomes Project 0.00020.
gnomAD v4.1: 64 of 1,614,188 alleles (0.004%); highest among the groups gnomAD compares: South Asian, 0.034%; 1 homozygote.

Submission:

Labcorp Genetics (formerly Invitae), Labcorp
Classification: Uncertain significance. Last evaluated: 2024-10-23. Review status: criteria provided, single submitter. Criteria: Invitae Variant Classification Sherloc (09022015). Collection method: clinical testing. Allele origin: germline.
Comment: This sequence change replaces arginine, which is basic and polar, with glutamine, which is neutral and polar, at codon 464 of the BMP1 protein (p.Arg464Gln). This variant is present in population databases (rs561063512, gnomAD 0.02%). This missense change has been observed in individual(s) with clinical features of osteogenesis imperfecta (internal data). ClinVar contains an entry for this variant (Variation ID: 1431510). Invitae Evidence Modeling of protein sequence and biophysical properties (such as structural, functional, and spatial information, amino acid conservation, physicochemical variation, residue mobility, and thermodynamic stability) indicates that this missense variant is not expected to disrupt BMP1 protein function with a negative predictive value of 80%. In summary, the available evidence is currently insufficient to determine the role of this variant in disease. Therefore, it has been classified as a Variant of Uncertain Significance.